The following is an entry in ClinVar:

ClinVar aggregate classification (germline): Uncertain significance (1 of 4 stars; one submission).

Submission:

Labcorp Genetics (formerly Invitae), Labcorp
Classification: Uncertain significance. Last evaluated: 2021-06-16. Review status: criteria provided, single submitter. Criteria: Invitae Variant Classification Sherloc (09022015). Collection method: clinical testing. Allele origin: germline.
Comment: This variant has not been reported in the literature in individuals with POLA1-related conditions. This variant is not present in population databases (ExAC no frequency). This sequence change replaces isoleucine with methionine at codon 1117 of the POLA1 protein (p.Ile1117Met). The isoleucine residue is moderately conserved and there is a small physicochemical difference between isoleucine and methionine. Algorithms developed to predict the effect of missense changes on protein structure and function output the following: SIFT: "Tolerated"; PolyPhen-2: "Benign"; Align-GVGD: "Class C0". The methionine amino acid residue is found in multiple mammalian species, suggesting that this missense change does not adversely affect protein function. These predictions have not been confirmed by published functional studies and their clinical significance is uncertain. In summary, the available evidence is currently insufficient to determine the role of this variant in disease. Therefore, it has been classified as a Variant of Uncertain Significance.

NM_001330360.2(POLA1):c.3369A>G (p.Ile1123Met)

Gene: POLA1 (DNA polymerase alpha 1, catalytic subunit; plus strand). Cytogenetic location: Xp22.11.
Variant type: single nucleotide variant.
Coding change: c.3369A>G on transcript NM_001330360.2 (MANE Select); coding-DNA position 3369, A replaced by G.
Protein change: p.Ile1123Met; replaces isoleucine 1123 with methionine.
Molecular consequence: missense variant. On other transcripts: non-coding transcript variant (2).
Genome position (GRCh38, 1-based): chrX:24,815,051, A>G. VCF-style: chrX-24815051-A-G. GRCh37 (hg19) VCF-style: chrX-24833168-A-G.
Other names: c.3294A>G, p.Ile1098Met (NM_001378303.1); c.3351A>G, p.Ile1117Met (NM_016937.4); short protein forms I1123M, I1117M, I1098M.
Identifiers: ClinVar variation 1361625 (VCV001361625.8), dbSNP rs2148502278, ClinGen allele CA412525796.